The following is an entry in ClinVar:

ClinVar aggregate classification (germline): Uncertain significance (1 of 4 stars; one submission).

Conditions:
Genitopatellar syndrome (GTPTS). Also called: Genitopatellar syndrome (GPS); ABSENT PATELLAE, SCROTAL HYPOPLASIA, RENAL ANOMALIES, FACIAL DYSMORPHISM, AND MENTAL RETARDATION. Identifiers: Orphanet 85201, MedGen C1853566, MONDO:0011640, OMIM 606170.

Submission:

Labcorp Genetics (formerly Invitae), Labcorp
Classification: Uncertain significance for Genitopatellar syndrome. Last evaluated: 2023-02-22. Review status: criteria provided, single submitter. Criteria: Invitae Variant Classification Sherloc (09022015). Collection method: clinical testing. Allele origin: germline.
Comment: In summary, the available evidence is currently insufficient to determine the role of this variant in disease. Therefore, it has been classified as a Variant of Uncertain Significance. An algorithm developed to predict the effect of missense changes on protein structure and function (PolyPhen-2) suggests that this variant is likely to be disruptive. This variant has not been reported in the literature in individuals affected with KAT6B-related conditions. This variant is not present in population databases (gnomAD no frequency). This sequence change replaces serine, which is neutral and polar, with cysteine, which is neutral and slightly polar, at codon 1610 of the KAT6B protein (p.Ser1610Cys).

NM_012330.4(KAT6B):c.4829C>G (p.Ser1610Cys)

Gene: KAT6B (lysine acetyltransferase 6B; plus strand). Cytogenetic location: 10q22.2.
Variant type: single nucleotide variant.
Coding change: c.4829C>G on transcript NM_012330.4 (MANE Select); coding-DNA position 4829, C replaced by G.
Protein change: p.Ser1610Cys; replaces serine 1610 with cysteine.
Molecular consequence: missense variant.
Genome position (GRCh38, 1-based): chr10:75,029,653, C>G. VCF-style: chr10-75029653-C-G. GRCh37 (hg19) VCF-style: chr10-76789411-C-G.
Other names: c.4280C>G, p.Ser1427Cys (NM_001256468.2, NM_001370138.1); c.3953C>G, p.Ser1318Cys (NM_001256469.2, NM_001370139.1, NM_001370140.1 and 2 more transcripts); c.3791C>G, p.Ser1264Cys (NM_001370132.1); c.3140C>G, p.Ser1047Cys (NM_001370133.1); c.2744C>G, p.Ser915Cys (NM_001370134.1); c.2486C>G, p.Ser829Cys (NM_001370135.1); c.4829C>G, p.Ser1610Cys (NM_001370136.1, NM_001370137.1); c.3764C>G, p.Ser1255Cys (NM_001370143.1, NM_001370144.1); short protein forms S1610C, S829C, S1255C, S1318C, S1427C, S1047C, S1264C, S915C.
Identifiers: ClinVar variation 2890736 (VCV002890736.3), dbSNP rs2549206360, ClinGen allele CA377298741.